The following is an entry in ClinVar:

NM_020975.6(RET):c.1590G>C (p.Glu530Asp)

Gene: RET (ret proto-oncogene; plus strand). Cytogenetic location: 10q11.21.
Variant type: single nucleotide variant.
Coding change: c.1590G>C on transcript NM_020975.6 (MANE Select); coding-DNA position 1590, G replaced by C.
Protein change: p.Glu530Asp; replaces glutamic acid 530 with aspartic acid.
Molecular consequence: missense variant.
Genome position (GRCh38, 1-based): chr10:43,112,166, G>C. VCF-style: chr10-43112166-G-C. GRCh37 (hg19) VCF-style: chr10-43607614-G-C.
Other names: c.828G>C, p.Glu276Asp (NM_001355216.2); c.1590G>C, p.Glu530Asp (NM_001406743.1, NM_001406744.1, NM_001406759.1 and 4 more transcripts); c.1461G>C, p.Glu487Asp (NM_001406768.1, NM_001406761.1, NM_001406762.1 and 1 more transcripts); c.1194G>C, p.Glu398Asp (NM_001406769.1, NM_001406772.1); c.1302G>C, p.Glu434Asp (NM_001406770.1, NM_001406766.1, NM_001406767.1); c.1152G>C, p.Glu384Asp (NM_001406771.1, NM_001406773.1); c.1065G>C, p.Glu355Asp (NM_001406774.1); c.864G>C, p.Glu288Asp (NM_001406775.1, NM_001406776.1, NM_001406777.1 and 1 more transcripts); and 5 more; short protein forms E188D, E231D, E355D, E288D, E384D, E398D, E434D, E47D.
Identifiers: ClinVar variation 5028161 (VCV005028161.1).

ClinVar aggregate classification (germline): Uncertain significance (1 of 4 stars; one submission).

Conditions:
Hereditary cancer-predisposing syndrome. Also called: Neoplastic Syndromes, Hereditary; Tumor predisposition; Hereditary neoplastic syndrome; Hereditary Cancer Syndrome. Identifiers: Orphanet 140162, MedGen C0027672, MeSH D009386, MONDO:0015356.

Submission:

Ambry Genetics
Classification: Uncertain significance for Hereditary cancer-predisposing syndrome. Last evaluated: 2026-06-27. Review status: criteria provided, single submitter. Criteria: Ambry Variant Classification Scheme 2023. Collection method: clinical testing. Allele origin: germline.
Comment: The p.E530D variant (also known as c.1590G>C), located in coding exon 8 of the RET gene, results from a G to C substitution at nucleotide position 1590. The glutamic acid at codon 530 is replaced by aspartic acid, an amino acid with highly similar properties. This amino acid position is conserved. In addition, the in silico prediction for this alteration is inconclusive. Based on the available evidence, the clinical significance of this variant remains unclear.